The following is an entry in ClinVar:

NM_012431.3(SEMA3E):c.*7G>A

Gene: SEMA3E (semaphorin 3E; minus strand). Cytogenetic location: 7q21.11.
Variant type: single nucleotide variant.
Coding change: c.*7G>A on transcript NM_012431.3 (MANE Select); 7 bases downstream of the stop codon, G replaced by A.
Molecular consequence: 3 prime UTR variant.
Genome position (GRCh38, 1-based): chr7:83,367,579, C>T on the plus strand (G>A on the coding strand, the complement: SEMA3E is on the minus strand). VCF-style: chr7-83367579-C-T. GRCh37 (hg19) VCF-style: chr7-82996895-C-T.
Other names: c.*7G>A (NM_001178129.2).
Identifiers: ClinVar variation 4983845 (VCV004983845.1).
Genomic context (GRCh38, chr7:83,367,579, plus strand): 5'-TTTATTTTTTTACTTTTTTACTTTCCAAATATAAATTCTTCAAAAGACAGTAGATAGTCT[C>T]ACCCCATCAGGAGTCCAGCGTGTGCCTGGGCAGGCGGTAATGCTCAGGTTTGGAACGGAG-3'

ClinVar aggregate classification (germline): Uncertain significance (1 of 4 stars; one submission).

Conditions:
SEMA3E-related disorder. Also called: SEMA3E-related condition.

gnomAD v4.1: 4 of 1,613,716 alleles (0.00025%); highest among the groups gnomAD compares: Non-Finnish European, 0.00034%; no homozygotes.

Submission:

PreventionGenetics, part of Exact Sciences
Classification: Uncertain significance for SEMA3E-related condition. Last evaluated: 2026-02-10. Review status: criteria provided, single submitter. Criteria: ACMG Guidelines, 2015. Collection method: clinical testing. Allele origin: germline.
Comment: The SEMA3E c.*7G>A variant is located in the 3' untranslated region. This variant is predicted to alter splicing based on available splicing prediction software (SpliceAI, Jaganathan et al. 2019. PubMed ID: 30661751). However, the use of computer prediction software is not equivalent to functional evidence. To our knowledge, this variant has not been reported in the literature. This variant is reported in 0.00088% of alleles in individuals of European (Non-Finnish) descent in gnomAD. At this time, the clinical significance of this variant is uncertain due to the absence of conclusive functional and genetic evidence.